The following is an entry in ClinVar:

ClinVar aggregate classification (germline): Pathogenic (1 of 4 stars; one submission).

Submission:

Labcorp Genetics (formerly Invitae), Labcorp
Classification: Pathogenic. Last evaluated: 2020-05-07. Review status: criteria provided, single submitter. Criteria: Invitae Variant Classification Sherloc (09022015). Collection method: clinical testing. Allele origin: germline.
Comment: This variant has not been reported in the literature in individuals with GFM1-related conditions. This sequence change creates a premature translational stop signal (p.Pro449Leufs*5) in the GFM1 gene. It is expected to result in an absent or disrupted protein product. This variant is not present in population databases (ExAC no frequency). Loss-of-function variants in GFM1 are known to be pathogenic (PMID: 16632485, 17160893). For these reasons, this variant has been classified as Pathogenic.

Literature cited by the submitters: PubMed 16632485; PubMed 17160893.

NM_024996.7(GFM1):c.1346del (p.Pro449fs)

Gene: GFM1 (G elongation factor mitochondrial 1; plus strand). Cytogenetic location: 3q25.32.
Variant type: Deletion.
Coding change: c.1346del on transcript NM_024996.7 (MANE Select); coding-DNA position 1346, one base deleted (C; older notation c.1346delC).
Protein change: p.Pro449fs; shifts the reading frame from proline 449.
Molecular consequence: frameshift variant. On other transcripts: non-coding transcript variant (4).
Genome position (GRCh38, 1-based): chr3:158,662,650, C deleted; the last of 2 consecutive C bases (chr3:158,662,649-158,662,650); deleting either gives the same sequence. VCF-style (leftmost placement, unchanged base first): chr3-158662648-TC-T. GRCh37 (hg19) VCF-style: chr3-158380437-TC-T.
Other names: c.1403del, p.Pro468fs (NM_001308164.2); c.1346del, p.Pro449fs (NM_001308166.2); c.1265del, p.Pro422fs (NM_001374355.1); c.1229del, p.Pro410fs (NM_001374356.1); c.1121del, p.Pro374fs (NM_001374357.1); c.887del, p.Pro296fs (NM_001374358.1); c.779del, p.Pro260fs (NM_001374359.1, NM_001374360.1); c.662del, p.Pro221fs (NM_001374361.1); short protein forms P221fs, P260fs, P296fs, P374fs, P410fs, P422fs, P449fs, P468fs.
Identifiers: ClinVar variation 1069103 (VCV001069103.7), dbSNP rs2108044392, ClinGen allele CA2499216569.